The following is an entry in ClinVar:

NM_020911.2(PLXNA4):c.2779G>A (p.Ala927Thr)

Gene: PLXNA4 (plexin A4; minus strand). Cytogenetic location: 7q32.3.
Variant type: single nucleotide variant.
Coding change: c.2779G>A on transcript NM_020911.2 (MANE Select); coding-DNA position 2779, G replaced by A.
Protein change: p.Ala927Thr; replaces alanine 927 with threonine.
Molecular consequence: missense variant.
Genome position (GRCh38, 1-based): chr7:132,194,139, C>T on the plus strand (G>A on the coding strand, the complement: PLXNA4 is on the minus strand). VCF-style: chr7-132194139-C-T. GRCh37 (hg19) VCF-style: chr7-131878898-C-T.
Other names: c.2779G>A, p.Ala927Thr (NM_001393897.1); short protein forms A927T.
Identifiers: ClinVar variation 5002394 (VCV005002394.1).

ClinVar aggregate classification (germline): Uncertain significance (1 of 4 stars; one submission).

Conditions:
PLXNA4-related disorder. Also called: PLXNA4-related condition.

gnomAD v4.1: 3 of 1,613,974 alleles (0.00019%); highest among the groups gnomAD compares: Non-Finnish European, 0.00017%; no homozygotes.

Submission:

PreventionGenetics, part of Exact Sciences
Classification: Uncertain significance for PLXNA4-related condition. Last evaluated: 2024-12-12. Review status: criteria provided, single submitter. Criteria: ACMG Guidelines, 2015. Collection method: clinical testing. Allele origin: germline.
Comment: The PLXNA4 c.2779G>A variant is predicted to result in the amino acid substitution p.Ala927Thr. To our knowledge, this variant has not been reported in the literature. This variant is reported in 0.00088% of alleles in individuals of European (non-Finnish) descent in gnomAD. At this time, the clinical significance of this variant is uncertain due to the absence of conclusive functional and genetic evidence.